The following is an entry in ClinVar:

ClinVar aggregate classification (germline): Uncertain significance (1 of 4 stars; one submission).

Conditions:
Inborn genetic diseases. Identifiers: MedGen C0950123, MeSH D030342.

gnomAD v4.1: 3 of 1,614,012 alleles (0.00019%); highest among the groups gnomAD compares: Non-Finnish European, 0.00025%; no homozygotes.

Submission:

Ambry Genetics
Classification: Uncertain significance for Inborn genetic diseases. Last evaluated: 2025-04-06. Review status: criteria provided, single submitter. Criteria: Ambry Variant Classification Scheme 2023. Collection method: clinical testing. Allele origin: germline.
Comment: The p.Y974C variant (also known as c.2921A>G), located in coding exon 24 of the ANKRD26 gene, results from an A to G substitution at nucleotide position 2921. The tyrosine at codon 974 is replaced by cysteine, an amino acid with highly dissimilar properties. This amino acid position is conserved. In addition, this alteration is predicted to be tolerated by in silico analysis. Based on the available evidence, the clinical significance of this variant remains unclear.

NM_014915.3(ANKRD26):c.2921A>G (p.Tyr974Cys)

Gene: ANKRD26 (ankyrin repeat domain containing 26; minus strand). Cytogenetic location: 10p12.1.
Variant type: single nucleotide variant.
Coding change: c.2921A>G on transcript NM_014915.3 (MANE Select); coding-DNA position 2921, A replaced by G.
Protein change: p.Tyr974Cys; replaces tyrosine 974 with cysteine.
Molecular consequence: missense variant.
Genome position (GRCh38, 1-based): chr10:27,035,529, T>C on the plus strand (A>G on the coding strand, the complement: ANKRD26 is on the minus strand). VCF-style: chr10-27035529-T-C. GRCh37 (hg19) VCF-style: chr10-27324458-T-C.
Other names: c.2918A>G, p.Tyr973Cys (NM_001256053.2); short protein forms Y973C, Y974C.
Identifiers: ClinVar variation 3913599 (VCV003913599.1).
Genomic context (GRCh38, chr10:27,035,529, plus strand): 5'-TTCTCCAGTTTAGAATTTAGCATTGCATTCTCAGCTGTCAGAACACTAAGCCGTCCATTA[T>C]ACTGGGATATTGTTTGTGTTAATGTTTCCTCATTCTGTTTTATAGTCTTCTGAAGGTCTT-3'
Protein context (NP_055730.2, residues 964-984): EETLTQTISQ[Tyr974Cys]NGRLSVLTAE